The following is an entry in ClinVar:

NM_183357.3(ADCY5):c.3623G>A (p.Arg1208His)

Gene: ADCY5 (adenylate cyclase 5; minus strand). Cytogenetic location: 3q21.1.
Variant type: single nucleotide variant.
Coding change: c.3623G>A on transcript NM_183357.3 (MANE Select); coding-DNA position 3623, G replaced by A.
Protein change: p.Arg1208His; replaces arginine 1208 with histidine.
Molecular consequence: missense variant.
Genome position (GRCh38, 1-based): chr3:123,286,719, C>T on the plus strand (G>A on the coding strand, the complement: ADCY5 is on the minus strand). VCF-style: chr3-123286719-C-T. GRCh37 (hg19) VCF-style: chr3-123005566-C-T.
Other names: c.2573G>A, p.Arg858His (NM_001199642.1); c.3698G>A, p.Arg1233His (NM_001378259.1); short protein forms R1208H, R858H, R1233H.
Identifiers: ClinVar variation 425305 (VCV000425305.44), dbSNP rs1064797295, ClinGen allele CA16621805.

ClinVar aggregate classification (germline): Uncertain significance. Review status: criteria provided, multiple submitters, no conflicts (2 of 4 stars). 2 submissions from 2 submitters: Uncertain significance (2). Last evaluated 2024-07-01.

Allele frequency attached by ClinVar (database versions not stated): gnomAD exomes below 0.00001.

Submissions (2):

CeGaT Center for Human Genetics Tuebingen
Classification: Uncertain significance. Last evaluated: 2024-07-01. Review status: criteria provided, single submitter. Criteria: CeGaT Center For Human Genetics Tuebingen Variant Classification Criteria Version 2. Collection method: clinical testing. Allele origin: germline. Affected: yes. Observed: 2 variant alleles.
Comment: ADCY5: PM2

Blueprint Genetics
Classification: Uncertain significance. Last evaluated: 2022-07-08. Review status: criteria provided, single submitter. Criteria: ACMG Guidelines, 2015. Collection method: clinical testing. Allele origin: germline.